The following is an entry in ClinVar:

NM_000059.4(BRCA2):c.8836T>C (p.Leu2946=)

Gene: BRCA2 (BRCA2 DNA repair associated; plus strand). Cytogenetic location: 13q13.1.
Variant type: single nucleotide variant.
Coding change: c.8836T>C on transcript NM_000059.4 (MANE Select); coding-DNA position 8836, T replaced by C.
Protein change: p.Leu2946=; no amino-acid change (leucine 2946 retained).
Molecular consequence: synonymous variant.
Genome position (GRCh38, 1-based): chr13:32,379,398, T>C. VCF-style: chr13-32379398-T-C. GRCh37 (hg19) VCF-style: chr13-32953535-T-C.
Identifiers: ClinVar variation 379012 (VCV000379012.15), dbSNP rs535486498, ClinGen allele CA6941304.

ClinVar aggregate classification (germline): Likely benign. Review status: reviewed by expert panel (3 of 4 stars). 4 submissions from 4 submitters: Likely benign (1). 3 of the submissions do not count toward it. Last evaluated 2017-06-29.

Conditions:
Hereditary cancer-predisposing syndrome. Also called: Hereditary neoplastic syndrome; Tumor predisposition; Neoplastic Syndromes, Hereditary; Hereditary Cancer Syndrome. Identifiers: Orphanet 140162, MedGen C0027672, MeSH D009386, MONDO:0015356.
Hereditary breast ovarian cancer syndrome. Also called: Breast and ovarian cancer; Hereditary breast and ovarian cancer syndrome; Hereditary breast and ovarian cancer; Hereditary breast and/or ovarian cancer syndrome; Hereditary breast and ovarian cancer syndrome (HBOC); BRCA1- and BRCA2-Associated Hereditary Breast and Ovarian Cancer. Identifiers: Orphanet 145, MedGen C0677776, MeSH D061325, MONDO:0003582. Disease mechanism: loss of function.
Breast-ovarian cancer, familial, susceptibility to, 2 (BROVCA2). Also called: BRCA2 Hereditary Breast and Ovarian Cancer. Identifiers: Orphanet 145, MedGen C2675520, MONDO:0012933, OMIM 612555. Disease mechanism: loss of function.

Allele frequency attached by ClinVar (database versions not stated): gnomAD exomes below 0.00001 and 0.00001; gnomAD 0.00001; ExAC 0.00002; 1000 Genomes Project 0.00020; 1000 Genomes Project 30x 0.00031.
gnomAD v4.1: 3 of 1,613,736 alleles (0.00019%); highest among the groups gnomAD compares: African/African-American, 0.0027%; no homozygotes.

Submissions (4):

Evidence-based Network for the Interpretation of Germline Mutant Alleles (ENIGMA)
Classification: Likely benign for Breast-ovarian cancer, familial, susceptibility to, 2. Last evaluated: 2017-06-29. Review status: reviewed by expert panel. Criteria: ENIGMA BRCA1/2 Classification Criteria (2017-06-29). Collection method: curation. Allele origin: germline.
Comment: Synonymous substitution variant, with low bioinformatic likelihood to result in a splicing aberration (Splicing prior probability 0.02).

Labcorp Genetics (formerly Invitae), Labcorp
Classification: Likely benign for Hereditary breast ovarian cancer syndrome. Last evaluated: 2025-08-07. Review status: criteria provided, single submitter. Criteria: Invitae Variant Classification Sherloc (09022015). Collection method: clinical testing. Allele origin: germline. Not counted in ClinVar's aggregate classification.

Ambry Genetics
Classification: Likely benign for Hereditary cancer-predisposing syndrome. Last evaluated: 2017-09-29. Review status: criteria provided, single submitter. Criteria: Ambry Variant Classification Scheme 2023. Collection method: clinical testing. Allele origin: germline. Not counted in ClinVar's aggregate classification.

GeneDx
Classification: Likely benign. Last evaluated: 2016-12-15. Review status: criteria provided, single submitter. Criteria: GeneDx Variant Classification (06012015). Collection method: clinical testing. Allele origin: germline. Affected: yes. Not counted in ClinVar's aggregate classification.
Comment: This variant is considered likely benign or benign based on one or more of the following criteria: it is a conservative change, it occurs at a poorly conserved position in the protein, it is predicted to be benign by multiple in silico algorithms, and/or has population frequency not consistent with disease.